The following is an entry in ClinVar:

NM_000179.3(MSH6):c.-13G>C

Gene: MSH6 (mutS homolog 6; plus strand). Cytogenetic location: 2p16.3.
Variant type: single nucleotide variant.
Coding change: c.-13G>C on transcript NM_000179.3 (MANE Select); 13 bases upstream of the start codon, G replaced by C.
Molecular consequence: 5 prime UTR variant.
Genome position (GRCh38, 1-based): chr2:47,783,221, G>C. VCF-style: chr2-47783221-G-C. GRCh37 (hg19) VCF-style: chr2-48010360-G-C.
Other names: c.-13G>C (NM_001281492.2); c.-749G>C (NM_001281493.2).
Identifiers: ClinVar variation 1331929 (VCV001331929.2), dbSNP rs760597933, ClinGen allele CA2496038012.
Genomic context (GRCh38, chr2:47,783,221, plus strand): 5'-GGAGCCGCGCGGTAGATGCGGTGCTTTTAGGAGCTCCGTCCGACAGAACGGTTGGGCCTT[G>C]CCGGCTGTCGGTATGTCGCGACAGAGCACCCTGTACAGCTTCTTCCCCAAGTCTCCGGCG-3'

ClinVar aggregate classification (germline): Uncertain significance (1 of 4 stars; one submission).

Conditions:
Hereditary cancer-predisposing syndrome. Also called: Tumor predisposition; Hereditary Cancer Syndrome; Neoplastic Syndromes, Hereditary; Hereditary neoplastic syndrome. Identifiers: Orphanet 140162, MedGen C0027672, MeSH D009386, MONDO:0015356.

Submission:

Color Diagnostics, LLC DBA Color Health
Classification: Uncertain significance for Hereditary cancer-predisposing syndrome. Last evaluated: 2021-03-23. Review status: criteria provided, single submitter. Criteria: ACMG Guidelines, 2015. Collection method: clinical testing. Allele origin: germline.
Comment: This variant causes a single nucleotide substitution in the 5' untranslated region of the MSH6 gene. To our knowledge, functional studies have not been reported for this variant. This variant has not been reported in individuals affected with hereditary cancer in the literature. This variant has been identified in 1/244132 chromosomes in the general population by the Genome Aggregation Database (gnomAD). The available evidence is insufficient to determine the role of this variant in disease conclusively. Therefore, this variant is classified as a Variant of Uncertain Significance.